The following is an entry in ClinVar:

NM_007215.4(POLG2):c.1384A>G (p.Met462Val)

Genes: MILR1 (mast cell immunoglobulin like receptor 1; plus strand), POLG2 (DNA polymerase gamma 2, accessory subunit; minus strand). Cytogenetic location: 17q23.3.
Variant type: single nucleotide variant.
Coding change: c.1384A>G on transcript NM_007215.4 (MANE Select); coding-DNA position 1384, A replaced by G.
Protein change: p.Met462Val; replaces methionine 462 with valine.
Molecular consequence: missense variant.
Genome position (GRCh38, 1-based): chr17:64,477,897, T>C on the plus strand (A>G on the coding strand, the complement: POLG2 is on the minus strand). VCF-style: chr17-64477897-T-C. GRCh37 (hg19) VCF-style: chr17-62474014-T-C.
Other names: short protein forms M462V.
Identifiers: ClinVar variation 1953560 (VCV001953560.5), dbSNP rs2037791817, ClinGen allele CA400635392.
Genomic context (GRCh38, chr17:64,477,897, plus strand): 5'-CTGATGATATATACTTAATCAAAAAGTCTTTTAATTTGGATATATGCATCATTTCCTTCA[T>C]TGTGGTGTCTCTGCTTCTCAGATGTATTAATCCATTCTCCAAAGTAGTTTCAGTAACCAA-3'
Protein context (NP_009146.2, residues 452-472): LIHLRSRDTT[Met462Val]KEMMHISKLK

ClinVar aggregate classification (germline): Uncertain significance (1 of 4 stars; one submission).

Allele frequency attached by ClinVar (database versions not stated): gnomAD exomes below 0.00001; gnomAD 0.00001.
gnomAD v4.1: 5 of 1,613,756 alleles (0.00031%); highest among the groups gnomAD compares: Admixed American, 0.0017%; no homozygotes.

Submission:

Labcorp Genetics (formerly Invitae), Labcorp
Classification: Uncertain significance. Last evaluated: 2024-10-09. Review status: criteria provided, single submitter. Criteria: Invitae Variant Classification Sherloc (09022015). Collection method: clinical testing. Allele origin: germline.
Comment: This sequence change replaces methionine, which is neutral and non-polar, with valine, which is neutral and non-polar, at codon 462 of the POLG2 protein (p.Met462Val). This variant is not present in population databases (gnomAD no frequency). This variant has not been reported in the literature in individuals affected with POLG2-related conditions. ClinVar contains an entry for this variant (Variation ID: 1953560). An algorithm developed to predict the effect of missense changes on protein structure and function (PolyPhen-2) suggests that this variant is likely to be tolerated. In summary, the available evidence is currently insufficient to determine the role of this variant in disease. Therefore, it has been classified as a Variant of Uncertain Significance.